The following is an entry in ClinVar:

NM_025074.7(FRAS1):c.8698G>T (p.Glu2900Ter)

Gene: FRAS1 (Fraser extracellular matrix complex subunit 1; plus strand). Cytogenetic location: 4q21.21.
Variant type: single nucleotide variant.
Coding change: c.8698G>T on transcript NM_025074.7 (MANE Select); coding-DNA position 8698, G replaced by T.
Protein change: p.Glu2900Ter; replaces glutamic acid 2900 with a stop codon.
Molecular consequence: nonsense.
Genome position (GRCh38, 1-based): chr4:78,482,481, G>T. VCF-style: chr4-78482481-G-T. GRCh37 (hg19) VCF-style: chr4-79403635-G-T.
Other names: short protein forms E2900*.
Identifiers: ClinVar variation 3344958 (VCV003344958.2).

ClinVar aggregate classification (germline): Pathogenic (1 of 4 stars; one submission).

Conditions:
FRAS1-related disorder. Also called: FRAS1-related condition.

Submission:

PreventionGenetics, part of Exact Sciences
Classification: Pathogenic for FRAS1-related condition. Last evaluated: 2025-01-11. Review status: criteria provided, single submitter. Criteria: ACMG Guidelines, 2015. Collection method: clinical testing. Allele origin: germline.
Comment: The FRAS1 c.8698G>T variant is predicted to result in premature protein termination (p.Glu2900*). To our knowledge, this variant has not been reported in the literature or in a large population database (gnomAD), indicating this variant is rare. Nonsense variants in FRAS1 are expected to be pathogenic. This variant is interpreted as pathogenic.